The following is an entry in ClinVar:

ClinVar aggregate classification (germline): Uncertain significance (1 of 4 stars; one submission).

Allele frequency attached by ClinVar (database versions not stated): TOPMed below 0.00001; gnomAD exomes 0.00004; ExAC 0.00007.

Submission:

GeneDx
Classification: Uncertain significance. Last evaluated: 2019-08-15. Review status: criteria provided, single submitter. Criteria: GeneDx Variant Classification Process June 2021. Collection method: clinical testing. Allele origin: germline. Affected: yes.
Comment: In silico analysis, which includes protein predictors and evolutionary conservation, supports a deleterious effect; Has not been previously published as pathogenic or benign to our knowledge

NM_144687.4(NLRP12):c.883G>A (p.Gly295Ser)

Gene: NLRP12 (NLR family pyrin domain containing 12; minus strand). Cytogenetic location: 19q13.42.
Variant type: single nucleotide variant.
Coding change: c.883G>A on transcript NM_144687.4 (MANE Select); coding-DNA position 883, G replaced by A.
Protein change: p.Gly295Ser; replaces glycine 295 with serine.
Molecular consequence: missense variant.
Genome position (GRCh38, 1-based): chr19:53,810,776, C>T on the plus strand (G>A on the coding strand, the complement: NLRP12 is on the minus strand). VCF-style: chr19-53810776-C-T. GRCh37 (hg19) VCF-style: chr19-54314030-C-T.
Other names: c.883G>A, p.Gly295Ser (NM_001277126.2, NM_001277129.1); short protein forms G295S.
Identifiers: ClinVar variation 1307556 (VCV001307556.2), dbSNP rs768310610, ClinGen allele CA9639581.